The following is an entry in ClinVar:

ClinVar aggregate classification (germline): Conflicting classifications of pathogenicity. Review status: criteria provided, conflicting classifications (1 of 4 stars). 4 submissions from 4 submitters: Uncertain significance (1); Benign (1); Likely benign (2). Last evaluated 2026-07-01.

Conditions:
Cone-rod synaptic disorder, congenital nonprogressive. Also called: NIGHT BLINDNESS, CONGENITAL STATIONARY, INCOMPLETE, AUTOSOMAL RECESSIVE. Identifiers: Orphanet 215, MedGen C4041558, MONDO:0012490, OMIM 610427.

Allele frequency attached by ClinVar (database versions not stated): 1000 Genomes Project 0.00020; 1000 Genomes Project 30x 0.00031; TOPMed 0.00057; ESP Exome Variant Server 0.00070.
gnomAD v4.1: 915 of 1,607,896 alleles (0.057%); highest among the groups gnomAD compares: Middle Eastern, 0.93%; 6 homozygotes.

Submissions (4):

CeGaT Center for Human Genetics Tuebingen
Classification: Likely benign. Last evaluated: 2026-07-01. Review status: criteria provided, single submitter. Criteria: CeGaT Center For Human Genetics Tuebingen Variant Classification Criteria Version 2. Collection method: clinical testing. Allele origin: germline. Affected: yes. Observed: 1 variant allele.
Comment: CABP4: BP4

Labcorp Genetics (formerly Invitae), Labcorp
Classification: Benign. Last evaluated: 2026-01-26. Review status: criteria provided, single submitter. Criteria: Invitae Variant Classification Sherloc (09022015). Collection method: clinical testing. Allele origin: germline.

Blueprint Genetics
Classification: Likely benign. Last evaluated: 2024-11-24. Review status: criteria provided, single submitter. Criteria: ACMG Guidelines, 2015. Collection method: clinical testing. Allele origin: germline.

Illumina Laboratory Services, Illumina
Classification: Uncertain significance for Cone-rod synaptic disorder, congenital nonprogressive. Last evaluated: 2018-01-13. Review status: criteria provided, single submitter. Criteria: ICSL Variant Classification Criteria 13 December 2019. Collection method: clinical testing. Allele origin: germline.

NM_145200.5(CABP4):c.281G>A (p.Arg94His)

Gene: CABP4 (calcium binding protein 4; plus strand). Cytogenetic location: 11q13.2.
Variant type: single nucleotide variant.
Coding change: c.281G>A on transcript NM_145200.5 (MANE Select); coding-DNA position 281, G replaced by A.
Protein change: p.Arg94His; replaces arginine 94 with histidine.
Molecular consequence: missense variant. On other transcripts: 5 prime UTR variant (2), non-coding transcript variant (1), intron variant (1).
Genome position (GRCh38, 1-based): chr11:67,455,704, G>A. VCF-style: chr11-67455704-G-A. GRCh37 (hg19) VCF-style: chr11-67223175-G-A.
Other names: c.-103G>A (NM_001300895.3); c.-117G>A (NM_001379183.1); c.-112-5G>A (NM_001300896.3); short protein forms R94H.
Identifiers: ClinVar variation 305643 (VCV000305643.15), dbSNP rs143040005, ClinGen allele CA6140122.